The following is an entry in ClinVar:

ClinVar aggregate classification (germline): Uncertain significance (1 of 4 stars; one submission).

Conditions:
KSR2-related disorder. Also called: KSR2-related condition.

Submission:

PreventionGenetics, part of Exact Sciences
Classification: Uncertain significance for KSR2-related condition. Last evaluated: 2026-07-25. Review status: criteria provided, single submitter. Criteria: ACMG Guidelines, 2015. Collection method: clinical testing. Allele origin: germline.
Comment: The KSR2 c.420G>C variant is predicted to result in the amino acid substitution p.Gln140His. To our knowledge, this variant has not been reported in the literature. This variant is reported in 0.038% of alleles in individuals of Latino descent in gnomAD. At this time, the clinical significance of this variant is uncertain due to the absence of conclusive functional and genetic evidence.

NM_173598.6(KSR2):c.507G>C (p.Gln169His)

Gene: KSR2 (kinase suppressor of ras 2; minus strand). Cytogenetic location: 12q24.23.
Variant type: single nucleotide variant.
Coding change: c.507G>C on transcript NM_173598.6 (MANE Select); coding-DNA position 507, G replaced by C.
Protein change: p.Gln169His; replaces glutamine 169 with histidine.
Molecular consequence: missense variant.
Genome position (GRCh38, 1-based): chr12:117,761,490, C>G on the plus strand (G>C on the coding strand, the complement: KSR2 is on the minus strand). VCF-style: chr12-117761490-C-G. GRCh37 (hg19) VCF-style: chr12-118199295-C-G.
Other names: short protein forms Q169H.
Identifiers: ClinVar variation 4980378 (VCV004980378.1).
Genomic context (GRCh38, chr12:117,761,490, plus strand): 5'-CGGGGTGGGCTCCGGGGGGCACACGGGATTGTTCTCCTTCCCCGTCTCTGTCGTGGGCCA[C>G]TGGATGGTCCAGTCTTGTTTGGAAAGGTTGCCTCCTGAGTTGGAACAGAAGAGCAGAGAC-3'
Protein context (NP_775869.4, residues 159-179): GNLSKQDWTI[Gln169His]WPTTETGKEN